The following is an entry in ClinVar:

NM_001292034.3(TAB2):c.831_832insT (p.His278fs)

Genes: TAB2 (TGF-beta activated kinase 1 (MAP3K7) binding protein 2; plus strand), LOC126859827 (BRD4-independent group 4 enhancer GRCh37_chr6:149699707-149700906; plus strand). Cytogenetic location: 6q25.1.
Variant type: Insertion.
Coding change: c.831_832insT on transcript NM_001292034.3 (MANE Select); coding-DNA positions 831 to 832, T inserted.
Protein change: p.His278fs; shifts the reading frame from histidine 278.
Molecular consequence: frameshift variant.
Genome position: GRCh38 VCF-style: chr6-149378746-C-CT. GRCh37 (hg19) VCF-style: chr6-149699882-C-CT.
Other names: c.735_736insT, p.His246fs (NM_001292035.3); c.831_832insT, p.His278fs (NM_001369506.1, NM_015093.6); short protein forms H246fs, H278fs.
Identifiers: ClinVar variation 5043260 (VCV005043260.1).

ClinVar aggregate classification (germline): Pathogenic (1 of 4 stars; one submission).

Conditions:
Congenital heart defects, multiple types, 2 (CHTD2). Also called: Congenital heart defects, nonsyndromic, 2. Identifiers: Orphanet 664401, MedGen C3554279, MONDO:0014000, OMIM 614980.

Submission:

Randwick Genomics Laboratory, Prince of Wales Hospital Sydney, Australia, New South Wales Health Pathology
Classification: Pathogenic for Congenital heart defects, multiple types, 2. Last evaluated: 2026-11-13. Review status: criteria provided, single submitter. Criteria: ACMG Guidelines, 2015. Collection method: clinical testing. Allele origin: germline. Inheritance: Autosomal dominant inheritance. Affected: yes. Observed: 1 variant allele.
Comment: INTERPRETATION Pathogenic variants in TAB2 (TGF_-activated kinase 1 binding protein 2 ) result in a syndrome characterised by mitral valve disease, cardiomyopathy, short stature and hypermobility [PMID: 34456334]. All phenotypes described for the proband have been previously reported in individuals with pathogenic TAB2 variants [PMIDs: 35971781, 34456334]. The heterozygous TAB2:c.831_832insT is a single nucleotide insertion at codon 278 predicted to result in transcriptional frameshift that commences at codon 278 with the introduction of a premature termination codon 26 codons 3Õ of the variant - p.(His278Serfs*26). This variant has not been previously reported in the medical literature or the ClinVar database and is absent from gnomAD v4.1. The resultant mRNA is predicted to be subject to nonsense-mediated mRNA decay, leading to a lack of expression from this allele. The TAB2 gene is highly constrained against loss-of-function variation (pLI: 1). Pathogenicity summary: the heterozygous TAB2:c. 831_832insT | p.(His278Serfs*26) is classified as a PATHOGENIC variant as it has the following characteristics: PVS1_vstrong: Null variant in a gene where loss-of-function is a known mechanism of disease, PM2_supporting: Absent from controls with respect to gnomAD (v4.1.0), PP4_supporting: PatientÕs phenotype or family history is highly specific for a disease with a single genetic aetiology Zygosity: 1 Single heterozygote